The following is an entry in ClinVar:

ClinVar aggregate classification (germline): Uncertain significance (1 of 4 stars; one submission).

Conditions:
Early-infantile DEE. Also called: Early infantile epileptic encephalopathy; Early infantile epileptic encephalopathy with suppression bursts; Ohtahara syndrome. Identifiers: Orphanet 1934, MedGen C0393706, MONDO:0800491.

Submission:

Labcorp Genetics (formerly Invitae), Labcorp
Classification: Uncertain significance for Early-infantile DEE. Last evaluated: 2025-09-22. Review status: criteria provided, single submitter. Criteria: Invitae Variant Classification Sherloc (09022015). Collection method: clinical testing. Allele origin: germline.
Comment: This sequence change replaces serine, which is neutral and polar, with alanine, which is neutral and non-polar, at codon 1353 of the SPTAN1 protein (p.Ser1353Ala). This variant is not present in population databases (gnomAD no frequency). This variant has not been reported in the literature in individuals affected with SPTAN1-related conditions. Invitae Evidence Modeling of protein sequence and biophysical properties (such as structural, functional, and spatial information, amino acid conservation, physicochemical variation, residue mobility, and thermodynamic stability) has been performed for this missense variant. However, the output from this modeling did not meet the statistical confidence thresholds required to predict the impact of this variant on SPTAN1 protein function. In summary, the available evidence is currently insufficient to determine the role of this variant in disease. Therefore, it has been classified as a Variant of Uncertain Significance.

NM_001130438.3(SPTAN1):c.4057T>G (p.Ser1353Ala)

Gene: SPTAN1 (spectrin alpha, non-erythrocytic 1; plus strand). Cytogenetic location: 9q34.11.
Variant type: single nucleotide variant.
Coding change: c.4057T>G on transcript NM_001130438.3 (MANE Select); coding-DNA position 4057, T replaced by G.
Protein change: p.Ser1353Ala; replaces serine 1353 with alanine.
Molecular consequence: missense variant.
Genome position (GRCh38, 1-based): chr9:128,607,614, T>G. VCF-style: chr9-128607614-T-G. GRCh37 (hg19) VCF-style: chr9-131369893-T-G.
Other names: c.3997T>G, p.Ser1333Ala (NM_001195532.2, NM_001363765.2, NM_001375314.2 and 3 more transcripts); c.4057T>G, p.Ser1353Ala (NM_001363759.2, NM_001375310.1, NM_001375311.2 and 4 more transcripts); c.4093T>G, p.Ser1365Ala (NM_001375312.2, NM_001375318.1, NM_001438440.1); short protein forms S1333A, S1353A, S1365A.
Identifiers: ClinVar variation 4808586 (VCV004808586.1).